The following is an entry in ClinVar:

NM_001261826.3(AP3D1):c.2295C>T (p.Asp765=)

Gene: AP3D1 (adaptor related protein complex 3 subunit delta 1; minus strand). Cytogenetic location: 19p13.3.
Variant type: single nucleotide variant.
Coding change: c.2295C>T on transcript NM_001261826.3 (MANE Select); coding-DNA position 2295, C replaced by T.
Protein change: p.Asp765=; no amino-acid change (aspartic acid 765 retained).
Molecular consequence: synonymous variant.
Genome position (GRCh38, 1-based): chr19:2,115,273, G>A on the plus strand (C>T on the coding strand, the complement: AP3D1 is on the minus strand). VCF-style: chr19-2115273-G-A. GRCh37 (hg19) VCF-style: chr19-2115272-G-A.
Other names: c.2295C>T, p.Asp765= (NM_001374799.1, NM_003938.8); c.2295C>T (NM_001261826.1).
Identifiers: ClinVar variation 2045545 (VCV002045545.5), dbSNP rs749040268, ClinGen allele CA9058933.

ClinVar aggregate classification (germline): Likely benign. Review status: criteria provided, multiple submitters, no conflicts (2 of 4 stars). 2 submissions from 2 submitters: Likely benign (2). Last evaluated 2025-09-10.

Conditions:
AP3D1-related disorder. Also called: AP3D1-related condition.

Allele frequency attached by ClinVar (database versions not stated): gnomAD 0.00001; gnomAD exomes 0.00001; TOPMed 0.00002; ExAC 0.00003.
gnomAD v4.1: 23 of 1,613,386 alleles (0.0014%); highest among the groups gnomAD compares: African/African-American, 0.004%; no homozygotes.

Submissions (2):

PreventionGenetics, part of Exact Sciences
Classification: Likely benign for AP3D1-related condition. Last evaluated: 2025-09-10. Review status: criteria provided, single submitter. Criteria: ACMG Guidelines, 2015. Collection method: clinical testing. Allele origin: germline.
Comment: This variant is classified as likely benign based on ACMG/AMP sequence variant interpretation guidelines (Richards et al. 2015 PMID: 25741868, with internal and published modifications).

Labcorp Genetics (formerly Invitae), Labcorp
Classification: Likely benign. Last evaluated: 2022-07-23. Review status: criteria provided, single submitter. Criteria: Invitae Variant Classification Sherloc (09022015). Collection method: clinical testing. Allele origin: germline.